The following is an entry in ClinVar:

ClinVar aggregate classification (germline): Likely benign. Review status: criteria provided, single submitter (1 of 4 stars). 2 submissions from 2 submitters: Likely benign (1). 1 of the submissions does not count toward it. Last evaluated 2023-10-22.

Conditions:
TAP2-related disorder. Also called: TAP2-related condition.
MHC class I deficiency. Identifiers: Orphanet 34592, MedGen C6024714, MONDO:0011476.

Allele frequency attached by ClinVar (database versions not stated): gnomAD exomes below 0.00001; gnomAD 0.00001.
gnomAD v4.1: 7 of 1,612,998 alleles (0.00043%); highest among the groups gnomAD compares: Non-Finnish European, 0.00034%; no homozygotes.

Submissions (2):

Labcorp Genetics (formerly Invitae), Labcorp
Classification: Likely benign for MHC class I deficiency 1. Last evaluated: 2023-10-22. Review status: criteria provided, single submitter. Criteria: Invitae Variant Classification Sherloc (09022015). Collection method: clinical testing. Allele origin: germline.

PreventionGenetics, part of Exact Sciences
Classification: Likely benign for TAP2-related condition. Last evaluated: 2021-10-07. Review status: no assertion criteria provided. Collection method: clinical testing. Allele origin: germline. Not counted in ClinVar's aggregate classification.
Comment: This variant is classified as likely benign based on ACMG/AMP sequence variant interpretation guidelines (Richards et al. 2015 PMID: 25741868, with internal and published modifications).

NM_001290043.2(TAP2):c.814T>C (p.Leu272=)

Gene: TAP2 (transporter 2, ATP binding cassette subfamily B member; minus strand). Cytogenetic location: 6p21.32.
Variant type: single nucleotide variant.
Coding change: c.814T>C on transcript NM_001290043.2 (MANE Select); coding-DNA position 814, T replaced by C.
Protein change: p.Leu272=; no amino-acid change (leucine 272 retained).
Molecular consequence: synonymous variant.
Genome position (GRCh38, 1-based): chr6:32,835,285, A>G on the plus strand (T>C on the coding strand, the complement: TAP2 is on the minus strand). VCF-style: chr6-32835285-A-G. GRCh37 (hg19) VCF-style: chr6-32803062-A-G.
Other names: c.814T>C, p.Leu272= (NM_000544.3, NM_018833.3).
Identifiers: ClinVar variation 2164747 (VCV002164747.6), dbSNP rs1769342430, ClinGen allele CA449750491.